The following is an entry in ClinVar:

NM_139318.5(KCNH5):c.2471A>G (p.Lys824Arg)

Gene: KCNH5 (potassium voltage-gated channel subfamily H member 5; minus strand). Cytogenetic location: 14q23.2.
Variant type: single nucleotide variant.
Coding change: c.2471A>G on transcript NM_139318.5 (MANE Select); coding-DNA position 2471, A replaced by G.
Protein change: p.Lys824Arg; replaces lysine 824 with arginine.
Molecular consequence: missense variant. On other transcripts: 3 prime UTR variant (1).
Genome position (GRCh38, 1-based): chr14:62,708,004, T>C on the plus strand (A>G on the coding strand, the complement: KCNH5 is on the minus strand). VCF-style: chr14-62708004-T-C. GRCh37 (hg19) VCF-style: chr14-63174722-T-C.
Other names: c.*438A>G (NM_172375.3); short protein forms K824R.
Identifiers: ClinVar variation 2088504 (VCV002088504.4), dbSNP rs766570312, ClinGen allele CA390100539.

ClinVar aggregate classification (germline): Uncertain significance (1 of 4 stars; one submission).

Conditions:
Early-infantile DEE. Also called: Ohtahara syndrome; Early infantile epileptic encephalopathy with suppression bursts; Early infantile epileptic encephalopathy. Identifiers: Orphanet 1934, MedGen C0393706, MONDO:0800491.

gnomAD v4.1: 1 of 1,614,238 alleles (0.000062%); highest among the groups gnomAD compares: South Asian, 0.0011%; no homozygotes.

Submission:

Labcorp Genetics (formerly Invitae), Labcorp
Classification: Uncertain significance for Early-infantile DEE. Last evaluated: 2022-11-22. Review status: criteria provided, single submitter. Criteria: Invitae Variant Classification Sherloc (09022015). Collection method: clinical testing. Allele origin: germline.
Comment: This sequence change replaces lysine, which is basic and polar, with arginine, which is basic and polar, at codon 824 of the KCNH5 protein (p.Lys824Arg). This variant is not present in population databases (gnomAD no frequency). This variant has not been reported in the literature in individuals affected with KCNH5-related conditions. Advanced modeling of protein sequence and biophysical properties (such as structural, functional, and spatial information, amino acid conservation, physicochemical variation, residue mobility, and thermodynamic stability) performed at Invitae indicates that this missense variant is not expected to disrupt KCNH5 protein function. In summary, the available evidence is currently insufficient to determine the role of this variant in disease. Therefore, it has been classified as a Variant of Uncertain Significance.